The following is an entry in ClinVar:

ClinVar aggregate classification (germline): Likely benign (0 of 4 stars; one submission).

Conditions:
PHEX-related disorder. Also called: PHEX-related condition.

Submission:

PreventionGenetics, part of Exact Sciences
Classification: Likely benign for PHEX-related condition. Last evaluated: 2023-09-16. Review status: no assertion criteria provided. Collection method: clinical testing. Allele origin: germline.
Comment: This variant is classified as likely benign based on ACMG/AMP sequence variant interpretation guidelines (Richards et al. 2015 PMID: 25741868, with internal and published modifications).

NM_000444.6(PHEX):c.1125T>A (p.Ile375=)

Gene: PHEX (phosphate regulating endopeptidase X-linked; plus strand). Cytogenetic location: Xp22.11.
Variant type: single nucleotide variant.
Coding change: c.1125T>A on transcript NM_000444.6 (MANE Select); coding-DNA position 1125, T replaced by A.
Protein change: p.Ile375=; no amino-acid change (isoleucine 375 retained).
Molecular consequence: synonymous variant.
Genome position (GRCh38, 1-based): chrX:22,111,512, T>A. VCF-style: chrX-22111512-T-A. GRCh37 (hg19) VCF-style: chrX-22129630-T-A.
Other names: c.1125T>A, p.Ile375= (NM_001282754.2).
Identifiers: ClinVar variation 3043899 (VCV003043899.2), dbSNP rs2518515575, ClinGen allele CA515424215.